The following is an entry in ClinVar:

ClinVar aggregate classification (germline): Uncertain significance. Review status: criteria provided, multiple submitters, no conflicts (2 of 4 stars). 3 submissions from 3 submitters: Uncertain significance (3). Last evaluated 2024-11-25.

Conditions:
Charcot-Marie-Tooth disease type 4. Also called: Charcot-Marie-Tooth, Type 4; Charcot-Marie-Tooth disease, type IV. Identifiers: Orphanet 64749, MedGen C4082197, MONDO:0018995.
Inborn genetic diseases. Identifiers: MedGen C0950123, MeSH D030342.

Allele frequency attached by ClinVar (database versions not stated): gnomAD exomes below 0.00001; TOPMed below 0.00001; gnomAD 0.00001.
gnomAD v4.1: 2 of 1,613,984 alleles (0.00012%); highest among the groups gnomAD compares: Middle Eastern, 0.016%; no homozygotes.

Submissions (3):

Ambry Genetics
Classification: Uncertain significance for Inborn genetic diseases. Last evaluated: 2024-11-25. Review status: criteria provided, single submitter. Criteria: Ambry Variant Classification Scheme 2023. Collection method: clinical testing. Allele origin: germline.

Labcorp Genetics (formerly Invitae), Labcorp
Classification: Uncertain significance for Charcot-Marie-Tooth disease type 4. Last evaluated: 2019-06-24. Review status: criteria provided, single submitter. Criteria: Invitae Variant Classification Sherloc (09022015). Collection method: clinical testing. Allele origin: germline.
Comment: In summary, the available evidence is currently insufficient to determine the role of this variant in disease. Therefore, it has been classified as a Variant of Uncertain Significance. Algorithms developed to predict the effect of missense changes on protein structure and function (SIFT, PolyPhen-2, Align-GVGD) all suggest that this variant is likely to be disruptive, but these predictions have not been confirmed by published functional studies and their clinical significance is uncertain. This variant has not been reported in the literature in individuals with SH3TC2-related conditions. ClinVar contains an entry for this variant (Variation ID: 194268). This variant is not present in population databases (ExAC no frequency). This sequence change replaces isoleucine with valine at codon 1033 of the SH3TC2 protein (p.Ile1033Val). The isoleucine residue is highly conserved and there is a small physicochemical difference between isoleucine and valine.

Eurofins Ntd Llc (ga)
Classification: Uncertain significance. Last evaluated: 2015-05-26. Review status: criteria provided, single submitter. Criteria: EGL Classification Definitions 2015. Collection method: clinical testing. Allele origin: germline. Observed: 1 variant allele, 1 heterozygote.

NM_024577.4(SH3TC2):c.3097A>G (p.Ile1033Val)

Gene: SH3TC2 (SH3 domain and tetratricopeptide repeats 2; minus strand). Cytogenetic location: 5q32.
Variant type: single nucleotide variant.
Coding change: c.3097A>G on transcript NM_024577.4 (MANE Select); coding-DNA position 3097, A replaced by G.
Protein change: p.Ile1033Val; replaces isoleucine 1033 with valine.
Molecular consequence: missense variant.
Genome position (GRCh38, 1-based): chr5:149,012,691, T>C on the plus strand (A>G on the coding strand, the complement: SH3TC2 is on the minus strand). VCF-style: chr5-149012691-T-C. GRCh37 (hg19) VCF-style: chr5-148392254-T-C.
Other names: short protein forms I1033V.
Identifiers: ClinVar variation 194268 (VCV000194268.15), dbSNP rs794727104, ClinGen allele CA240149.